The following is an entry in ClinVar:

NM_024079.5(ALG8):c.674-2A>G

Gene: ALG8 (ALG8 alpha-1,3-glucosyltransferase; minus strand). Cytogenetic location: 11q14.1.
Variant type: single nucleotide variant.
Coding change: c.674-2A>G on transcript NM_024079.5 (MANE Select); the canonical splice acceptor site of the intron before coding-DNA position 674, A replaced by G.
Molecular consequence: splice acceptor variant. On other transcripts: intron variant (2).
Genome position (GRCh38, 1-based): chr11:78,113,991, T>C on the plus strand (A>G on the coding strand, the complement: ALG8 is on the minus strand). VCF-style: chr11-78113991-T-C. GRCh37 (hg19) VCF-style: chr11-77825037-T-C.
Other names: c.410-2A>G (NM_001425234.1, NM_001425239.1); c.473-2A>G (NM_001425231.1); c.521-2A>G (NM_001425235.1, NM_001425226.1, NM_001425236.1); c.659-2A>G (NM_001425220.1); c.158-2A>G (NM_001425241.1); c.546+5191A>G (NM_001425240.1); c.119-2A>G (NM_001425242.1); c.673+275A>G (NM_001425238.1); and 3 more.
Identifiers: ClinVar variation 3574061 (VCV003574061.3).

ClinVar aggregate classification (germline): Likely pathogenic. Review status: criteria provided, multiple submitters, no conflicts (2 of 4 stars). 2 submissions from 2 submitters: Likely pathogenic (2). Last evaluated 2025-04-15.

Conditions:
ALG8 congenital disorder of glycosylation. Also called: CONGENITAL DISORDER OF GLYCOSYLATION, TYPE Ih; CDG Ih; ALG8-CDG. Identifiers: Orphanet 79325, MedGen C2931002, MONDO:0011969, OMIM 608104.
Polycystic liver disease 3 with or without kidney cysts. Identifiers: MedGen C4693472, MONDO:0054743, OMIM 617874.

gnomAD v4.1: 8 of 1,595,948 alleles (0.0005%); highest among the groups gnomAD compares: Non-Finnish European, 0.00068%; no homozygotes.

Submissions (2):

Victorian Clinical Genetics Services, Murdoch Childrens Research Institute
Classification: Likely pathogenic for Polycystic liver disease 3 with or without kidney cysts. Last evaluated: 2025-04-15. Review status: criteria provided, single submitter. Criteria: ACMG Guidelines, 2015. Collection method: clinical testing. Allele origin: germline. Affected: yes.
Comment: This variant is classified as Likely pathogenic. Evidence in support of pathogenic classification: Canonical splice site variant without proven consequence on splicing (no functional evidence available); Variant is present in gnomAD <0.01 (v4: 8 heterozygote(s), 0 homozygote(s)); This variant has limited previous evidence of pathogenicity in an unrelated individual(s). This variant has been classified as likely pathogenic by a clinical laboratory in ClinVar; Another splice variant comparable to the one identified in this case has limited previous evidence for pathogenicity. c.674-2A>T has been classified as likely pathogenic by a clinical laboratory in ClinVar; Abnormal splicing is predicted by in silico tool and affected nucleotide is highly conserved. Additional information: This variant is heterozygous; This gene is associated with both recessive and dominant disease, where the same variants have been reported to cause both conditions (PMID: 28375157, 26066342); Alternative nucleotide change(s) at the same canonical splice site are present in gnomAD (Highest allele count: v4: 3 heterozygote(s), 0 homozygote(s)); No published segregation evidence has been identified for this variant; No published functional evidence has been identified for this variant; Loss of function is a known mechanism of disease in this gene and is associated with congenital disorder of glycosylation, type Ih (MIM#608104) and polycystic liver disease 3 with or without kidney cysts (MIM#617874); Variants in this gene are known to have variable expressivity (OMIM); Inheritance information for this variant is not currently available in this individual.

Fulgent Genetics
Classification: Likely pathogenic for ALG8 congenital disorder of glycosylation; Polycystic liver disease 3 with or without kidney cysts. Last evaluated: 2024-05-31. Review status: criteria provided, single submitter. Criteria: ACMG Guidelines, 2015. Collection method: clinical testing. Allele origin: germline.

Literature cited by the submitters: PubMed 28375157 (cited by Victorian Clinical Genetics Services, Murdoch Childrens Research Institute); PubMed 26066342 (cited by Victorian Clinical Genetics Services, Murdoch Childrens Research Institute).